The following is an entry in ClinVar:

NM_201384.3(PLEC):c.13426A>G (p.Ser4476Gly)

Gene: PLEC (plectin; minus strand). Cytogenetic location: 8q24.3.
Variant type: single nucleotide variant.
Coding change: c.13426A>G on transcript NM_201384.3 (MANE Select); coding-DNA position 13426, A replaced by G.
Protein change: p.Ser4476Gly; replaces serine 4476 with glycine.
Molecular consequence: missense variant.
Genome position (GRCh38, 1-based): chr8:143,916,395, T>C on the plus strand (A>G on the coding strand, the complement: PLEC is on the minus strand). VCF-style: chr8-143916395-T-C. GRCh37 (hg19) VCF-style: chr8-144990563-T-C.
Other names: c.13426A>G, p.Ser4476Gly (NM_201382.4); c.13438A>G, p.Ser4480Gly (NM_201383.3); c.13507A>G, p.Ser4503Gly (NM_000445.5); c.10126A>G, p.Ser3376Gly (NM_001410941.1); c.13384A>G, p.Ser4462Gly (NM_201378.4); c.13360A>G, p.Ser4454Gly (NM_201379.3); c.13837A>G, p.Ser4613Gly (NM_201380.4); c.13330A>G, p.Ser4444Gly (NM_201381.3); short protein forms S4444G, S4454G, S4462G, S4613G, S3376G, S4476G, S4480G, S4503G.
Identifiers: ClinVar variation 2923909 (VCV002923909.3), dbSNP rs1554668952, ClinGen allele CA372474507.

ClinVar aggregate classification (germline): Uncertain significance (1 of 4 stars; one submission).

Conditions:
Epidermolysis bullosa simplex with nail dystrophy (EBS5D). Identifiers: MedGen C4225309, MONDO:0014661, OMIM 616487.
Epidermolysis bullosa simplex, Ogna type (EBS5A). Also called: EPIDERMOLYSIS BULLOSA SIMPLEX 5A, OGNA TYPE; Pidermolysis bullosa simplex 5A, Ogna type. Identifiers: Orphanet 79401, MedGen C0432317, MONDO:0007555, OMIM 131950.
Epidermolysis bullosa simplex 5C, with pyloric atresia (EBS5C). Also called: PLEC1-Related Epidermolysis Bullosa with Pyloric Atresia; PLEC-Related Epidermolysis Bullosa with Pyloric Atresia; Epidermolysis bullosa simplex with pyloric atresia. Identifiers: Orphanet 158684, MedGen C2677349, MONDO:0012807, OMIM 612138.
Autosomal recessive limb-girdle muscular dystrophy type 2Q (LGMDR17). Also called: MUSCULAR DYSTROPHY, LIMB-GIRDLE, AUTOSOMAL RECESSIVE 17. Identifiers: Orphanet 254361, MedGen C3150989, MONDO:0013390, OMIM 613723.
Epidermolysis bullosa simplex 5B, with muscular dystrophy (EBS5B). Also called: EPIDERMOLYSIS BULLOSA SIMPLEX AND LIMB-GIRDLE MUSCULAR DYSTROPHY; Epidermolysis bullosa simplex with muscular dystrophy. Identifiers: Orphanet 257, MedGen C2931072, MONDO:0009181, OMIM 226670.

Allele frequency attached by ClinVar (database versions not stated): gnomAD exomes below 0.00001.
gnomAD v4.1: 3 of 1,611,248 alleles (0.00019%); highest among the groups gnomAD compares: South Asian, 0.0033%; no homozygotes.

Submission:

Labcorp Genetics (formerly Invitae), Labcorp
Classification: Uncertain significance for Autosomal recessive limb-girdle muscular dystrophy type 2Q; Epidermolysis bullosa simplex, Ogna type; Epidermolysis bullosa simplex with nail dystrophy; Epidermolysis bullosa simplex 5C, with pyloric atresia; Epidermolysis bullosa simplex 5B, with muscular dystrophy. Last evaluated: 2023-02-16. Review status: criteria provided, single submitter. Criteria: Invitae Variant Classification Sherloc (09022015). Collection method: clinical testing. Allele origin: germline.
Comment: Advanced modeling of protein sequence and biophysical properties (such as structural, functional, and spatial information, amino acid conservation, physicochemical variation, residue mobility, and thermodynamic stability) performed at Invitae indicates that this missense variant is not expected to disrupt PLEC protein function. In summary, the available evidence is currently insufficient to determine the role of this variant in disease. Therefore, it has been classified as a Variant of Uncertain Significance. This sequence change replaces serine, which is neutral and polar, with glycine, which is neutral and non-polar, at codon 4503 of the PLEC protein (p.Ser4503Gly). This variant is present in population databases (no rsID available, gnomAD 0.003%). This variant has not been reported in the literature in individuals affected with PLEC-related conditions.